The following is an entry in ClinVar:

NM_006218.4(PIK3CA):c.3103G>A (p.Ala1035Thr)

Gene: PIK3CA (phosphatidylinositol-4,5-bisphosphate 3-kinase catalytic subunit alpha; plus strand). Cytogenetic location: 3q26.32.
Variant type: single nucleotide variant.
Coding change: c.3103G>A on transcript NM_006218.4 (MANE Select); coding-DNA position 3103, G replaced by A.
Protein change: p.Ala1035Thr; replaces alanine 1035 with threonine.
Molecular consequence: missense variant.
Genome position (GRCh38, 1-based): chr3:179,234,260, G>A. VCF-style: chr3-179234260-G-A. GRCh37 (hg19) VCF-style: chr3-178952048-G-A.
Other names: short protein forms A1035T.
Identifiers: ClinVar variation 3778701 (VCV003778701.1).
Genomic context (GRCh38, chr3:179,234,260, plus strand): 5'-TCTTTTGATGACATTGCATACATTCGAAAGACCCTAGCCTTAGATAAAACTGAGCAAGAG[G>A]CTTTGGAGTATTTCATGAAACAAATGAATGATGCACATCATGGTGGCTGGACAACAAAAA-3'
Protein context (NP_006209.2, residues 1025-1045): TLALDKTEQE[Ala1035Thr]LEYFMKQMND

ClinVar aggregate classification (germline): Pathogenic (1 of 4 stars; one submission).

Conditions:
Cowden syndrome 5 (CWS5). Identifiers: Orphanet 201, MedGen C3554518, MONDO:0014047, OMIM 615108.

Submission:

Institute of Human Genetics, University of Leipzig Medical Center
Classification: Pathogenic for Cowden syndrome 5. Last evaluated: 2025-03-26. Review status: criteria provided, single submitter. Criteria: ACMG Guidelines, 2015. Collection method: clinical testing. Allele origin: unknown. Inheritance: Autosomal dominant inheritance. Affected: yes.
Comment: Criteria applied: PS2_VSTR,PS4_MOD,PM2,PM5,PP2,PP3,PP4